The following is an entry in ClinVar:

ClinVar aggregate classification (germline): Uncertain significance. Review status: criteria provided, multiple submitters, no conflicts (2 of 4 stars). 2 submissions from 2 submitters: Uncertain significance (2). Last evaluated 2024-12-02.

Conditions:
Inborn genetic diseases. Identifiers: MedGen C0950123, MeSH D030342.
MPZL2-related disorder. Also called: MPZL2-related condition.

Allele frequency attached by ClinVar (database versions not stated): ExAC 0.00009; ESP Exome Variant Server 0.00023; gnomAD 0.00024; TOPMed 0.00028; 1000 Genomes Project 0.00040; 1000 Genomes Project 30x 0.00062.
gnomAD v4.1: 79 of 1,614,032 alleles (0.0049%); highest among the groups gnomAD compares: African/African-American, 0.068%; no homozygotes.

Submissions (2):

Ambry Genetics
Classification: Uncertain significance for Inborn genetic diseases. Last evaluated: 2024-12-02. Review status: criteria provided, single submitter. Criteria: Ambry Variant Classification Scheme 2023. Collection method: clinical testing. Allele origin: germline.

PreventionGenetics, part of Exact Sciences
Classification: Uncertain significance for MPZL2-related condition. Last evaluated: 2023-09-01. Review status: criteria provided, single submitter. Criteria: ACMG Guidelines, 2015. Collection method: clinical testing. Allele origin: germline.
Comment: The MPZL2 c.98G>A variant is predicted to result in the amino acid substitution p.Arg33Gln. To our knowledge, this variant has not been reported in the literature. This variant is reported in 0.080% of alleles in individuals of African descent in gnomAD. Although we suspect that this variant may be benign, at this time, the clinical significance of this variant is uncertain due to the absence of conclusive functional and genetic evidence.

NM_005797.4(MPZL2):c.98G>A (p.Arg33Gln)

Gene: MPZL2 (myelin protein zero like 2; minus strand). Cytogenetic location: 11q23.3.
Variant type: single nucleotide variant.
Coding change: c.98G>A on transcript NM_005797.4 (MANE Select); coding-DNA position 98, G replaced by A.
Protein change: p.Arg33Gln; replaces arginine 33 with glutamine.
Molecular consequence: missense variant.
Genome position (GRCh38, 1-based): chr11:118,263,058, C>T on the plus strand (G>A on the coding strand, the complement: MPZL2 is on the minus strand). VCF-style: chr11-118263058-C-T. GRCh37 (hg19) VCF-style: chr11-118133773-C-T.
Other names: c.98G>A, p.Arg33Gln (NM_144765.3); short protein forms R33Q.
Identifiers: ClinVar variation 2403290 (VCV002403290.4), dbSNP rs150203857, ClinGen allele CA6301471.
Genomic context (GRCh38, chr11:118,263,058, plus strand): 5'-GCAAAGCTGGAGAAAGTGCATTTTAACCGAGCATCTGTCCCATTAACAGCCTCCAGCACC[C>T]GGGAGGTATAAATTTCCACAGCTGCTATAGGCCAAAGAGCTGCAATGAAAAAGAAGAAAA-3'
Protein context (NP_005788.1, residues 23-43): PIAAVEIYTS[Arg33Gln]VLEAVNGTDA